The following is an entry in ClinVar:

NM_005271.5(GLUD1):c.532_533insTGAAAGAGACACA (p.Pro178fs)

Gene: GLUD1 (glutamate dehydrogenase 1; minus strand). Cytogenetic location: 10q23.2.
Variant type: Insertion.
Coding change: c.532_533insTGAAAGAGACACA on transcript NM_005271.5 (MANE Select); coding-DNA positions 532 to 533, TGAAAGAGACACA inserted.
Protein change: p.Pro178fs; shifts the reading frame from proline 178.
Molecular consequence: frameshift variant.
Genome position: GRCh38 VCF-style: chr10-87076017-G-GTGTGTCTCTTTCA. GRCh37 (hg19) VCF-style: chr10-88835774-G-GTGTGTCTCTTTCA.
Other names: c.133_134insTGAAAGAGACACA, p.Pro45fs (NM_001318900.1); c.31_32insTGAAAGAGACACA, p.Pro11fs (NM_001318901.1, NM_001318902.1, NM_001318904.2 and 2 more transcripts); short protein forms P11fs, P178fs, P45fs.
Identifiers: ClinVar variation 4995552 (VCV004995552.1).
Genomic context (GRCh38, chr10:87,076,017, plus strand): 5'-TTCATACTTACAGTATAGTTCTTGGGATTGATCTTAACACCAGCTTTAGCACCCCCAAAC[G>GTGTGTCTCTTTCA]GCACATCTGAAAGAGAAGGCTGATGGTTGCTATTCCATATAAATGTTAAAAAAGTAAAAT-3'

ClinVar aggregate classification (germline): Uncertain significance (1 of 4 stars; one submission).

Conditions:
GLUD1-related disorder. Also called: GLUD1-related condition.

Submission:

PreventionGenetics, part of Exact Sciences
Classification: Uncertain significance for GLUD1-related condition. Last evaluated: 2025-12-28. Review status: criteria provided, single submitter. Criteria: ACMG Guidelines, 2015. Collection method: clinical testing. Allele origin: germline.
Comment: The GLUD1 c.532_533insTGAAAGAGACACA variant is predicted to result in a frameshift and premature protein termination (p.Pro178Leufs*10). To our knowledge, this variant has not been reported in the literature or in a large population database (gnomAD), indicating this variant is rare. Loss of function is not an established mechanism of GLUD1-related disease. At this time, the clinical significance of this variant is uncertain due to the absence of conclusive functional and genetic evidence.